The following is an entry in ClinVar:

ClinVar aggregate classification (germline): Uncertain significance (1 of 4 stars; one submission).

Conditions:
Charcot-Marie-Tooth disease type 4. Also called: Charcot-Marie-Tooth disease, type IV; Charcot-Marie-Tooth, Type 4. Identifiers: Orphanet 64749, MedGen C4082197, MONDO:0018995.

Allele frequency attached by ClinVar (database versions not stated): ExAC 0.00001; gnomAD exomes 0.00001; ESP Exome Variant Server 0.00008.
gnomAD v4.1: 5 of 1,614,202 alleles (0.00031%); highest among the groups gnomAD compares: Non-Finnish European, 0.00042%; no homozygotes.

Submission:

Labcorp Genetics (formerly Invitae), Labcorp
Classification: Uncertain significance for Charcot-Marie-Tooth disease type 4. Last evaluated: 2022-06-02. Review status: criteria provided, single submitter. Criteria: Invitae Variant Classification Sherloc (09022015). Collection method: clinical testing. Allele origin: germline.
Comment: This sequence change replaces glutamic acid, which is acidic and polar, with aspartic acid, which is acidic and polar, at codon 1039 of the SH3TC2 protein (p.Glu1039Asp). This variant is present in population databases (rs367877915, gnomAD 0.002%). This variant has not been reported in the literature in individuals affected with SH3TC2-related conditions. Advanced modeling of protein sequence and biophysical properties (such as structural, functional, and spatial information, amino acid conservation, physicochemical variation, residue mobility, and thermodynamic stability) performed at Invitae indicates that this missense variant is not expected to disrupt SH3TC2 protein function. In summary, the available evidence is currently insufficient to determine the role of this variant in disease. Therefore, it has been classified as a Variant of Uncertain Significance.

NM_024577.4(SH3TC2):c.3117G>C (p.Glu1039Asp)

Gene: SH3TC2 (SH3 domain and tetratricopeptide repeats 2; minus strand). Cytogenetic location: 5q32.
Variant type: single nucleotide variant.
Coding change: c.3117G>C on transcript NM_024577.4 (MANE Select); coding-DNA position 3117, G replaced by C.
Protein change: p.Glu1039Asp; replaces glutamic acid 1039 with aspartic acid.
Molecular consequence: missense variant.
Genome position (GRCh38, 1-based): chr5:149,012,671, C>G on the plus strand (G>C on the coding strand, the complement: SH3TC2 is on the minus strand). VCF-style: chr5-149012671-C-G. GRCh37 (hg19) VCF-style: chr5-148392234-C-G.
Other names: short protein forms E1039D.
Identifiers: ClinVar variation 1978260 (VCV001978260.1), dbSNP rs367877915, ClinGen allele CA3498850.